The following is an entry in ClinVar:

ClinVar aggregate classification (germline): Uncertain significance (1 of 4 stars; one submission).

Allele frequency attached by ClinVar (database versions not stated): gnomAD exomes below 0.00001; TOPMed below 0.00001.
gnomAD v4.1: 5 of 1,614,144 alleles (0.00031%); highest among the groups gnomAD compares: Non-Finnish European, 0.00042%; no homozygotes.

Submission:

Labcorp Genetics (formerly Invitae), Labcorp
Classification: Uncertain significance. Last evaluated: 2022-07-13. Review status: criteria provided, single submitter. Criteria: Invitae Variant Classification Sherloc (09022015). Collection method: clinical testing. Allele origin: germline.
Comment: This variant is not present in population databases (gnomAD no frequency). This sequence change replaces aspartic acid, which is acidic and polar, with valine, which is neutral and non-polar, at codon 208 of the VPS13D protein (p.Asp208Val). This variant has not been reported in the literature in individuals affected with VPS13D-related conditions. Algorithms developed to predict the effect of missense changes on protein structure and function are either unavailable or do not agree on the potential impact of this missense change (SIFT: "Not Available"; PolyPhen-2: "Probably Damaging"; Align-GVGD: "Not Available"). In summary, the available evidence is currently insufficient to determine the role of this variant in disease. Therefore, it has been classified as a Variant of Uncertain Significance.

NM_015378.4(VPS13D):c.623A>T (p.Asp208Val)

Gene: VPS13D (vacuolar protein sorting 13 homolog D; plus strand). Cytogenetic location: 1p36.22.
Variant type: single nucleotide variant.
Coding change: c.623A>T on transcript NM_015378.4 (MANE Select); coding-DNA position 623, A replaced by T.
Protein change: p.Asp208Val; replaces aspartic acid 208 with valine.
Molecular consequence: missense variant.
Genome position (GRCh38, 1-based): chr1:12,253,780, A>T. VCF-style: chr1-12253780-A-T. GRCh37 (hg19) VCF-style: chr1-12313837-A-T.
Other names: c.623A>T, p.Asp208Val (NM_018156.4); short protein forms D208V.
Identifiers: ClinVar variation 2016805 (VCV002016805.4), dbSNP rs1640818554, ClinGen allele CA338478374.